The following is an entry in ClinVar:

NM_007294.4(BRCA1):c.5528C>A (p.Ala1843Glu)

Gene: BRCA1 (BRCA1 DNA repair associated; minus strand). Cytogenetic location: 17q21.31.
Variant type: single nucleotide variant.
Coding change: c.5528C>A on transcript NM_007294.4 (MANE Select); coding-DNA position 5528, C replaced by A.
Protein change: p.Ala1843Glu; replaces alanine 1843 with glutamic acid.
Molecular consequence: missense variant. On other transcripts: 3 prime UTR variant (1), non-coding transcript variant (1).
Genome position (GRCh38, 1-based): chr17:43,045,742, G>T on the plus strand (C>A on the coding strand, the complement: BRCA1 is on the minus strand). VCF-style: chr17-43045742-G-T. GRCh37 (hg19) VCF-style: chr17-41197759-G-T.
Other names: p.A1843E:GCA>GAA; NM_007294.4(BRCA1):c.5528C>A; p.Ala1843Glu; c.5315C>A, p.Ala1772Glu (NM_001407571.1, NM_001407902.1, NM_001407904.1 and 12 more transcripts); c.5594C>A, p.Ala1865Glu (NM_001407581.1, NM_001407582.1); c.5591C>A, p.Ala1864Glu (NM_001407583.1, NM_001407585.1, NM_001407587.1 and 1 more transcripts); c.5525C>A, p.Ala1842Glu (NM_001407610.1, NM_001407611.1, NM_001407612.1 and 14 more transcripts); c.5522C>A, p.Ala1841Glu (NM_001407629.1, NM_001407630.1, NM_001407631.1 and 13 more transcripts); and 77 more; short protein forms A1843E, A1864E, A739E, A1796E, A1754E, A1799E, A1801E, A1823E.
Identifiers: ClinVar variation 182082 (VCV000182082.19), dbSNP rs730881447, ClinGen allele CA003698.

ClinVar aggregate classification (germline): Likely pathogenic. Review status: reviewed by expert panel (3 of 4 stars). 4 submissions from 4 submitters: Likely pathogenic (1). 3 of the submissions do not count toward it. Last evaluated 2026-08-27.

Conditions:
Hereditary breast ovarian cancer syndrome. Also called: Hereditary breast and ovarian cancer syndrome; Hereditary breast and ovarian cancer syndrome (HBOC); BRCA1- and BRCA2-Associated Hereditary Breast and Ovarian Cancer; Breast and ovarian cancer; Hereditary breast and ovarian cancer; Hereditary breast and/or ovarian cancer syndrome. Identifiers: Orphanet 145, MedGen C0677776, MeSH D061325, MONDO:0003582. Disease mechanism: loss of function.
BRCA1-related cancer predisposition. Identifiers: MedGen CN377757, MONDO:0700268.
Hereditary cancer-predisposing syndrome. Also called: Hereditary Cancer Syndrome; Hereditary neoplastic syndrome; Tumor predisposition; Neoplastic Syndromes, Hereditary. Identifiers: Orphanet 140162, MedGen C0027672, MeSH D009386, MONDO:0015356.

Submissions (5):

ClinGen ENIGMA BRCA1 and BRCA2 Variant Curation Expert Panel, ClinGen
Classification: Likely pathogenic for BRCA1-related cancer predisposition. Last evaluated: 2026-08-27. Review status: reviewed by expert panel. Criteria: CSpec BRCA1/2ACMG Rules Specifications V1.2. Collection method: curation. Allele origin: germline. Inheritance: Autosomal dominant inheritance.
Comment: The c.5528C>A variant in BRCA1 is a missense variant predicted to cause substitution of Alanine by Glutamic acid at amino acid 1843 (p.(Ala1843Glu)). This variant is absent from gnomAD v4.1 (read depth ≥25x in >90% samples, PM2_Supporting met). Reported by 2 calibrated studies to exhibit protein function similar to pathogenic control variants (PMIDs: 30209399, 35196514) (PS3 met). This BRCA1 missense variant is within a key functional domain and a SpliceAI score of 0 predicts no impact on splicing (score threshold ≤0.1). The computational predictor BayesDel (noAF) gives a score of 0.28, equal to or above the recommended threshold of 0.28 for prediction of impact on BRCA1 function via protein change (PP3 met). In summary, this variant meets the criteria to be classified as a Likely pathogenic variant for BRCA1-related cancer predisposition based on the ACMG/AMP criteria applied as specified by the ENIGMA BRCA1/2 VCEP (v1.2) (PS3, PM2_Supporting, PP3).

Labcorp Genetics (formerly Invitae), Labcorp
Classification: Uncertain significance for Hereditary breast ovarian cancer syndrome. Last evaluated: 2025-12-08. Review status: criteria provided, single submitter. Criteria: Invitae Variant Classification Sherloc (09022015). Collection method: clinical testing. Allele origin: germline. Not counted in ClinVar's aggregate classification.
Comment: This sequence change replaces alanine, which is neutral and non-polar, with glutamic acid, which is acidic and polar, at codon 1843 of the BRCA1 protein (p.Ala1843Glu). This variant is not present in population databases (gnomAD no frequency). This variant has not been reported in the literature in individuals affected with BRCA1-related conditions. ClinVar contains an entry for this variant (Variation ID: 182082). Invitae Evidence Modeling incorporating data from in vitro experimental studies (PMID: 30209399) indicates that this missense variant is expected to disrupt BRCA1 function with a positive predictive value of 95%. In summary, the available evidence is currently insufficient to determine the role of this variant in disease. Therefore, it has been classified as a Variant of Uncertain Significance.

Ambry Genetics
Classification: Likely pathogenic for Hereditary cancer-predisposing syndrome. Last evaluated: 2021-10-07. Review status: criteria provided, single submitter. Criteria: Ambry Variant Classification Scheme 2023. Collection method: clinical testing. Allele origin: germline. Not counted in ClinVar's aggregate classification.
Comment: The p.A1843E variant (also known as c.5528C>A), located in coding exon 22 of the BRCA1 gene, results from a C to A substitution at nucleotide position 5528. The alanine at codon 1843 is replaced by glutamic acid, an amino acid with dissimilar properties. One functional study found that this nucleotide substitution is non-functional in a high-throughput, genome editing, haploid cell survival assay (Findlay GM et al. Nature, 2018 10;562:217-222). This variant is considered to be rare based on population cohorts in the Genome Aggregation Database (gnomAD). This amino acid position is well conserved in available vertebrate species. In addition, this alteration is predicted to be deleterious by in silico analysis. Based on the majority of available evidence to date, this variant is likely to be pathogenic.

GeneDx
Classification: Uncertain significance. Last evaluated: 2014-10-16. Review status: criteria provided, single submitter. Criteria: GeneDx Variant Classification (06012015). Collection method: clinical testing. Allele origin: germline. Affected: yes. Not counted in ClinVar's aggregate classification.
Comment: This variant is denoted BRCA1 c.5528C>A at the cDNA level, p.Ala1843Glu (A1843E) at the protein level, and results in the change of an Alanine to a Glutamic Acid (GCA>GAA). This variant has not, to our knowledge, been published in the literature as pathogenic or benign. BRCA1 Ala1843Glu was not observed in approximately 6,500 individuals of European and African American ancestry in the NHLBI Exome Sequencing Project, indicating it is not a common benign variant in these populations. Since Alanine and Glutamic Acid differ in polarity, charge, size or other properties, this is considered a non-conservative amino acid substitution. BRCA1 Ala1843Glu occurs at a position that is conserved through mammals and is located in the second BRCT domain (Roy 2012). In silico analyses predict that this variant is probably damaging to protein structure and function. Based on the currently available information, it is unclear whether BRCA1 Ala1843Glu is pathogenic or benign. We consider it to be a variant of uncertain significance.

Brotman Baty Institute, University of Washington
No classification provided (evidence only). Condition: Breast-ovarian cancer, familial 1. Review status: no classification provided. Collection method: in vitro. Allele origin: not applicable. Functional consequence: functionally_abnormal. Not counted in ClinVar's aggregate classification.
ClinVar note: "not provided" was previously submitted as the classification for the variant. However, the classification appeared to be based only on an observation of functional data so it was converted to no classification on 2025-07-30.

Literature cited by the submitters: PubMed 30209399 (cited by Labcorp Genetics (formerly Invitae), Labcorp and Ambry Genetics).